The following is an entry in ClinVar:

ClinVar aggregate classification (germline): Benign/Likely benign. Review status: criteria provided, multiple submitters, no conflicts (2 of 4 stars). 6 submissions from 6 submitters: Benign (3); Likely benign (3). Last evaluated 2026-01-27.

Allele frequency attached by ClinVar (database versions not stated): gnomAD exomes 0.00080 and 0.00145; ExAC 0.00226; gnomAD 0.00652 and 0.00690; TOPMed 0.00719; 1000 Genomes Project 0.00779; 1000 Genomes Project 30x 0.00812.

Submissions (6):

Labcorp Genetics (formerly Invitae), Labcorp
Classification: Benign. Last evaluated: 2026-01-27. Review status: criteria provided, single submitter. Criteria: Invitae Variant Classification Sherloc (09022015). Collection method: clinical testing. Allele origin: germline.

Blueprint Genetics
Classification: Likely benign. Last evaluated: 2024-11-19. Review status: criteria provided, single submitter. Criteria: ACMG Guidelines, 2015. Collection method: clinical testing. Allele origin: germline.

GeneDx
Classification: Likely benign. Last evaluated: 2022-10-01. Review status: criteria provided, single submitter. Criteria: GeneDx Variant Classification Process June 2021. Collection method: clinical testing. Allele origin: germline. Affected: yes.
Comment: See Variant Classification Assertion Criteria.

Athena Diagnostics
Classification: Benign. Last evaluated: 2019-12-03. Review status: criteria provided, single submitter. Criteria: Athena Diagnostics Criteria. Collection method: clinical testing. Allele origin: unknown.

Laboratory for Molecular Medicine, Mass General Brigham Personalized Medicine
Classification: Benign. Last evaluated: 2014-11-24. Review status: criteria provided, single submitter. Criteria: LMM Criteria. Collection method: clinical testing. Allele origin: germline. Observed: 9 variant alleles.
Comment: Arg611Arg in exon 16 of OTOG: This variant is not expected to have clinical sign ificance because it does not alter an amino acid residue and is not located with in the splice consensus sequence. It has been identified in 5.2% (10/194) of Luh ya (Kenyan) chromosomes from a broad population by the 1000 Genomes Project (dbSNP rs73418068).

Breakthrough Genomics
Classification: Likely benign. Review status: criteria provided, single submitter. Criteria: ACMG Guidelines, 2015. Collection method: not provided. Allele origin: germline. Inheritance: Autosomal recessive inheritance. Affected: yes.

NM_001292063.2(OTOG):c.1797G>A (p.Arg599=)

Gene: OTOG (otogelin; plus strand). Cytogenetic location: 11p15.1.
Variant type: single nucleotide variant.
Coding change: c.1797G>A on transcript NM_001292063.2 (MANE Select); coding-DNA position 1797, G replaced by A.
Protein change: p.Arg599=; no amino-acid change (arginine 599 retained).
Molecular consequence: synonymous variant.
Genome position (GRCh38, 1-based): chr11:17,570,232, G>A. VCF-style: chr11-17570232-G-A. GRCh37 (hg19) VCF-style: chr11-17591779-G-A.
Other names: c.1833G>A, p.Arg611= (NM_001277269.2).
Identifiers: ClinVar variation 226864 (VCV000226864.20), dbSNP rs73418068, ClinGen allele CA5905538.